The following is an entry in ClinVar:

ClinVar aggregate classification (germline): Uncertain significance (1 of 4 stars; one submission).

gnomAD v4.1: 1 of 1,608,116 alleles (0.000062%); highest among the groups gnomAD compares: Non-Finnish European, 0.000085%; no homozygotes.

Submission:

Labcorp Genetics (formerly Invitae), Labcorp
Classification: Uncertain significance. Last evaluated: 2024-09-05. Review status: criteria provided, single submitter. Criteria: Invitae Variant Classification Sherloc (09022015). Collection method: clinical testing. Allele origin: germline.
Comment: This sequence change replaces arginine, which is basic and polar, with tryptophan, which is neutral and slightly polar, at codon 723 of the TAOK2 protein (p.Arg723Trp). This variant is not present in population databases (gnomAD no frequency). This variant has not been reported in the literature in individuals affected with TAOK2-related conditions. ClinVar contains an entry for this variant (Variation ID: 1721848). An algorithm developed to predict the effect of missense changes on protein structure and function (PolyPhen-2) suggests that this variant is likely to be disruptive. In summary, the available evidence is currently insufficient to determine the role of this variant in disease. Therefore, it has been classified as a Variant of Uncertain Significance.

NM_016151.4(TAOK2):c.2167C>T (p.Arg723Trp)

Gene: TAOK2 (TAO kinase 2; plus strand). Cytogenetic location: 16p11.2.
Variant type: single nucleotide variant.
Coding change: c.2167C>T on transcript NM_016151.4 (MANE Select); coding-DNA position 2167, C replaced by T.
Protein change: p.Arg723Trp; replaces arginine 723 with tryptophan.
Molecular consequence: missense variant.
Genome position (GRCh38, 1-based): chr16:29,986,439, C>T. VCF-style: chr16-29986439-C-T. GRCh37 (hg19) VCF-style: chr16-29997760-C-T.
Other names: c.2167C>T, p.Arg723Trp (NM_001252043.2, NM_004783.4); short protein forms R723W.
Identifiers: ClinVar variation 1721848 (VCV001721848.5), dbSNP rs2543660209, ClinGen allele CA395489560.